The following is an entry in ClinVar:

NM_002202.3(ISL1):c.594C>T (p.Thr198=)

Gene: ISL1 (ISL LIM homeobox 1; plus strand). Cytogenetic location: 5q11.1.
Variant type: single nucleotide variant.
Coding change: c.594C>T on transcript NM_002202.3 (MANE Select); coding-DNA position 594, C replaced by T.
Protein change: p.Thr198=; no amino-acid change (threonine 198 retained).
Molecular consequence: synonymous variant.
Genome position (GRCh38, 1-based): chr5:51,389,761, C>T. VCF-style: chr5-51389761-C-T. GRCh37 (hg19) VCF-style: chr5-50685595-C-T.
Identifiers: ClinVar variation 4992480 (VCV004992480.1).

ClinVar aggregate classification (germline): Likely benign (1 of 4 stars; one submission).

Conditions:
ISL1-related disorder. Also called: ISL1-related condition.

gnomAD v4.1: 2 of 1,614,194 alleles (0.00012%); highest among the groups gnomAD compares: Non-Finnish European, 0.00017%; no homozygotes.

Submission:

PreventionGenetics, part of Exact Sciences
Classification: Likely benign for ISL1-related condition. Last evaluated: 2026-09-04. Review status: criteria provided, single submitter. Criteria: ACMG Guidelines, 2015. Collection method: clinical testing. Allele origin: germline.
Comment: This variant is classified as likely benign based on ACMG/AMP sequence variant interpretation guidelines (Richards et al. 2015 PMID: 25741868, with internal and published modifications).